The following is an entry in ClinVar:

ClinVar aggregate classification (germline): Pathogenic (1 of 4 stars; one submission).

Submission:

Labcorp Genetics (formerly Invitae), Labcorp
Classification: Pathogenic. Last evaluated: 2020-11-27. Review status: criteria provided, single submitter. Criteria: Invitae Variant Classification Sherloc (09022015). Collection method: clinical testing. Allele origin: germline.
Comment: This sequence change creates a premature translational stop signal (p.Thr26Profs*9) in the GJB2 gene. While this is not anticipated to result in nonsense mediated decay, it is expected to disrupt the last 201 amino acid(s) of the GJB2 protein. This variant is not present in population databases (ExAC no frequency). This variant has not been reported in the literature in individuals with GJB2-related conditions. This variant disrupts the C-terminus of the GJB2 protein. Other variant(s) that disrupt this region (p.Cys211Leufs*5) have been determined to be pathogenic (PMID: 20863150, 9529365, 12910486). This suggests that variants that disrupt this region of the protein are likely to be causative of disease. For these reasons, this variant has been classified as Pathogenic.

Literature cited by the submitters: PubMed 20863150; PubMed 9529365; PubMed 12910486.

NM_004004.6(GJB2):c.76del (p.Thr26fs)

Gene: GJB2 (gap junction protein beta 2; minus strand). Cytogenetic location: 13q12.11.
Variant type: Deletion.
Coding change: c.76del on transcript NM_004004.6 (MANE Select); coding-DNA position 76, one base deleted (A; older notation c.76delA).
Protein change: p.Thr26fs; shifts the reading frame from threonine 26.
Molecular consequence: frameshift variant.
Genome position (GRCh38, 1-based): chr13:20,189,506, T deleted on the plus strand (A on the coding strand, the reverse complement: GJB2 is on the minus strand). VCF-style (leftmost placement, unchanged base first): chr13-20189505-GT-G. GRCh37 (hg19) VCF-style: chr13-20763644-GT-G.
Other names: short protein forms T26fs.
Identifiers: ClinVar variation 1451382 (VCV001451382.8), dbSNP rs2137308765, ClinGen allele CA2573149179.
Genomic context (GRCh38, chr13:20,189,505, plus strand): 5'-TCTCCCCACACCTCCTTTGCAGCCACAACGAGGATCATAATGCGAAAAATGAAGAGGACG[GT>G]GAGCCAGATCTTTCCAATGCTGGTGGAGTGTTTGTTCACACCCCCCAGGATCGTCTGCAG-3'